The following is an entry in ClinVar:

NM_173660.5(DOK7):c.1133C>T (p.Ala378Val)

Gene: DOK7 (docking protein 7; plus strand). Cytogenetic location: 4p16.3.
Variant type: single nucleotide variant.
Coding change: c.1133C>T on transcript NM_173660.5 (MANE Select); coding-DNA position 1133, C replaced by T.
Protein change: p.Ala378Val; replaces alanine 378 with valine.
Molecular consequence: missense variant. On other transcripts: 3 prime UTR variant (1).
Genome position (GRCh38, 1-based): chr4:3,493,119, C>T. VCF-style: chr4-3493119-C-T. GRCh37 (hg19) VCF-style: chr4-3494846-C-T.
Other names: c.*354C>T (NM_001164673.2); c.203C>T, p.Ala68Val (NM_001256896.2); c.1133C>T, p.Ala378Val (NM_001301071.2); c.701C>T, p.Ala234Val (NM_001363811.2); short protein forms A234V, A68V, A378V.
Identifiers: ClinVar variation 664626 (VCV000664626.12), dbSNP rs371846002, ClinGen allele CA2829373.

ClinVar aggregate classification (germline): Conflicting classifications of pathogenicity. Review status: criteria provided, conflicting classifications (1 of 4 stars). 4 submissions from 4 submitters: Uncertain significance (3); Likely benign (1). Last evaluated 2025-04-28.

Conditions:
Inborn genetic diseases. Identifiers: MedGen C0950123, MeSH D030342.
Fetal akinesia deformation sequence 1 (FADS1). Also called: Pena-Shokeir syndrome type I; Fetal akinesia sequence. Identifiers: Orphanet 994, MedGen C1276035, MONDO:0100101, OMIM 208150, HP:0001989.
Congenital myasthenic syndrome 10. Also called: Myasthenia, limb-girdle, familial. Identifiers: Orphanet 590, MedGen C1850792, MONDO:0009690, OMIM 254300.

Allele frequency attached by ClinVar (database versions not stated): ExAC 0.00002; gnomAD exomes 0.00002; ESP Exome Variant Server 0.00008; gnomAD 0.00008 and 0.00009; TOPMed 0.00008.

Submissions (4):

Ambry Genetics
Classification: Uncertain significance for Inborn genetic diseases. Last evaluated: 2025-04-28. Review status: criteria provided, single submitter. Criteria: Ambry Variant Classification Scheme 2023. Collection method: clinical testing. Allele origin: germline.

Labcorp Genetics (formerly Invitae), Labcorp
Classification: Uncertain significance for Congenital myasthenic syndrome 10; Fetal akinesia deformation sequence 1. Last evaluated: 2022-08-20. Review status: criteria provided, single submitter. Criteria: Invitae Variant Classification Sherloc (09022015). Collection method: clinical testing. Allele origin: germline.
Comment: This sequence change replaces alanine, which is neutral and non-polar, with valine, which is neutral and non-polar, at codon 378 of the DOK7 protein (p.Ala378Val). The frequency data for this variant in the population databases is considered unreliable, as metrics indicate poor data quality at this position in the gnomAD database. This variant has not been reported in the literature in individuals affected with DOK7-related conditions. ClinVar contains an entry for this variant (Variation ID: 664626). Algorithms developed to predict the effect of missense changes on protein structure and function (SIFT, PolyPhen-2, Align-GVGD) all suggest that this variant is likely to be tolerated. In summary, the available evidence is currently insufficient to determine the role of this variant in disease. Therefore, it has been classified as a Variant of Uncertain Significance.

GeneDx
Classification: Uncertain significance. Last evaluated: 2021-11-02. Review status: criteria provided, single submitter. Criteria: GeneDx Variant Classification Process June 2021. Collection method: clinical testing. Allele origin: germline. Affected: yes.
Comment: Not observed at significant frequency in large population cohorts (Lek et al., 2016); In silico analysis supports that this missense variant does not alter protein structure/function; Has not been previously published as pathogenic or benign to our knowledge; This variant is associated with the following publications: (PMID: 26198629, 20603078, 20012313)

Dubai Health Genomic Medicine Center, Dubai Health
Classification: Likely benign. Last evaluated: 2020-09-02. Review status: criteria provided, single submitter. Criteria: ACMG Guidelines, 2015. Collection method: clinical testing. Allele origin: germline. Affected: yes.